The following is an entry in ClinVar:

NM_006063.3(KLHL41):c.631A>G (p.Arg211Gly)

Gene: KLHL41 (kelch like family member 41; plus strand). Cytogenetic location: 2q31.1.
Variant type: single nucleotide variant.
Coding change: c.631A>G on transcript NM_006063.3 (MANE Select); coding-DNA position 631, A replaced by G.
Protein change: p.Arg211Gly; replaces arginine 211 with glycine.
Molecular consequence: missense variant.
Genome position (GRCh38, 1-based): chr2:169,510,409, A>G. VCF-style: chr2-169510409-A-G. GRCh37 (hg19) VCF-style: chr2-170366919-A-G.
Other names: short protein forms R211G.
Identifiers: ClinVar variation 945042 (VCV000945042.9), dbSNP rs1684012984, ClinGen allele CA349175805.
Genomic context (GRCh38, chr2:169,510,409, plus strand): 5'-GAAAAAGAAGAAGCAGTATTTGAGGCAGTGATGAAATGGGTGCGAACAGACAAGGAAAAC[A>G]GGGTTAAAAACCTTAGTGAAGTGTTTGATTGTATCCGTTTTCGCCTTATGACAGAAAAAT-3'
Protein context (NP_006054.2, residues 201-221): MKWVRTDKEN[Arg211Gly]VKNLSEVFDC

ClinVar aggregate classification (germline): Uncertain significance (1 of 4 stars; one submission).

Conditions:
Nemaline myopathy 9 (NEM9). Identifiers: MedGen C3810384, MONDO:0014326, OMIM 615731.

Allele frequency attached by ClinVar (database versions not stated): TOPMed below 0.00001.

Submission:

Labcorp Genetics (formerly Invitae), Labcorp
Classification: Uncertain significance for Nemaline myopathy 9. Last evaluated: 2022-07-05. Review status: criteria provided, single submitter. Criteria: Invitae Variant Classification Sherloc (09022015). Collection method: clinical testing. Allele origin: germline.
Comment: In summary, the available evidence is currently insufficient to determine the role of this variant in disease. Therefore, it has been classified as a Variant of Uncertain Significance. Algorithms developed to predict the effect of missense changes on protein structure and function (SIFT, PolyPhen-2, Align-GVGD) all suggest that this variant is likely to be disruptive. ClinVar contains an entry for this variant (Variation ID: 945042). This variant has not been reported in the literature in individuals affected with KLHL41-related conditions. This variant is not present in population databases (gnomAD no frequency). This sequence change replaces arginine, which is basic and polar, with glycine, which is neutral and non-polar, at codon 211 of the KLHL41 protein (p.Arg211Gly).